The following is an entry in ClinVar:

NM_000059.4(BRCA2):c.3845C>T (p.Thr1282Ile)

Gene: BRCA2 (BRCA2 DNA repair associated; plus strand). Cytogenetic location: 13q13.1.
Variant type: single nucleotide variant.
Coding change: c.3845C>T on transcript NM_000059.4 (MANE Select); coding-DNA position 3845, C replaced by T.
Protein change: p.Thr1282Ile; replaces threonine 1282 with isoleucine.
Molecular consequence: missense variant.
Genome position (GRCh38, 1-based): chr13:32,338,200, C>T. VCF-style: chr13-32338200-C-T. GRCh37 (hg19) VCF-style: chr13-32912337-C-T.
Other names: short protein forms T1282I.
Identifiers: ClinVar variation 522202 (VCV000522202.18), dbSNP rs1555283423, ClinGen allele CA387778591.

ClinVar aggregate classification (germline): Conflicting classifications of pathogenicity. Review status: criteria provided, conflicting classifications (1 of 4 stars). 10 submissions from 10 submitters: Uncertain significance (7); Likely benign (3). Last evaluated 2026-08-01.

Conditions:
BRCA2-related cancer predisposition. Identifiers: MedGen CN377758, MONDO:0700269.
Hereditary breast ovarian cancer syndrome. Also called: Hereditary breast and/or ovarian cancer syndrome; Breast and ovarian cancer; Hereditary breast and ovarian cancer syndrome; Hereditary breast and ovarian cancer syndrome (HBOC); BRCA1- and BRCA2-Associated Hereditary Breast and Ovarian Cancer; Hereditary breast and ovarian cancer. Identifiers: Orphanet 145, MedGen C0677776, MeSH D061325, MONDO:0003582. Disease mechanism: loss of function.
Hereditary cancer-predisposing syndrome. Also called: Hereditary Cancer Syndrome; Neoplastic Syndromes, Hereditary; Hereditary neoplastic syndrome; Tumor predisposition. Identifiers: Orphanet 140162, MedGen C0027672, MeSH D009386, MONDO:0015356.
Breast-ovarian cancer, familial, susceptibility to, 2 (BROVCA2). Also called: BRCA2 Hereditary Breast and Ovarian Cancer. Identifiers: Orphanet 145, MedGen C2675520, MONDO:0012933, OMIM 612555. Disease mechanism: loss of function.

Submissions (10):

CeGaT Center for Human Genetics Tuebingen
Classification: Uncertain significance. Last evaluated: 2026-08-01. Review status: criteria provided, single submitter. Criteria: CeGaT Center For Human Genetics Tuebingen Variant Classification Criteria Version 2. Collection method: clinical testing. Allele origin: germline. Affected: yes. Observed: 1 variant allele.
Comment: BRCA2: PM2:Supporting, BP4

Women's Health and Genetics/Laboratory Corporation of America, LabCorp
Classification: Uncertain significance. Last evaluated: 2026-02-27. Review status: criteria provided, single submitter. Criteria: LabCorp Variant Classification Summary - May 2015. Collection method: clinical testing. Allele origin: germline.

Ambry Genetics
Classification: Uncertain significance for Hereditary cancer-predisposing syndrome. Last evaluated: 2025-12-22. Review status: criteria provided, single submitter. Criteria: Ambry Variant Classification Scheme 2023. Collection method: clinical testing. Allele origin: germline.
Comment: The p.T1282I variant (also known as c.3845C>T), located in coding exon 10 of the BRCA2 gene, results from a C to T substitution at nucleotide position 3845. The threonine at codon 1282 is replaced by isoleucine, an amino acid with similar properties. This amino acid position is poorly conserved in available vertebrate species. In addition, this alteration is predicted to be tolerated by in silico analysis. Since supporting evidence is limited at this time, the clinical significance of this alteration remains unclear.

Quest Diagnostics Nichols Institute San Juan Capistrano
Classification: Uncertain significance. Last evaluated: 2025-10-21. Review status: criteria provided, single submitter. Criteria: Quest Diagnostics criteria. Collection method: clinical testing. Allele origin: unknown.
Comment: The BRCA2 c.3845C>T (p.Thr1282Ile) variant has not been reported in individuals with BRCA2-related conditions in the published literature and has been reported to be located in a region of the BRCA2 gene that is tolerant to missense sequence changes (PMID: 31911673 (2020)). This variant has not been reported in large, multi-ethnic general populations (Genome Aggregation Database). Analysis of this variant using bioinformatics tools for the prediction of the effect of amino acid changes on protein structure and function yielded predictions that this variant is benign. Based on the available information, we are unable to determine the clinical significance of this variant.

Labcorp Genetics (formerly Invitae), Labcorp
Classification: Uncertain significance for Hereditary breast ovarian cancer syndrome. Last evaluated: 2025-07-29. Review status: criteria provided, single submitter. Criteria: Invitae Variant Classification Sherloc (09022015). Collection method: clinical testing. Allele origin: germline.
Comment: This sequence change replaces threonine, which is neutral and polar, with isoleucine, which is neutral and non-polar, at codon 1282 of the BRCA2 protein (p.Thr1282Ile). This variant is not present in population databases (gnomAD no frequency). This variant has not been reported in the literature in individuals affected with BRCA2-related conditions. ClinVar contains an entry for this variant (Variation ID: 522202). Invitae Evidence Modeling of protein sequence and biophysical properties (such as structural, functional, and spatial information, amino acid conservation, physicochemical variation, residue mobility, and thermodynamic stability) indicates that this missense variant is not expected to disrupt BRCA2 protein function with a negative predictive value of 95%. In summary, the available evidence is currently insufficient to determine the role of this variant in disease. Therefore, it has been classified as a Variant of Uncertain Significance.

All of Us Research Program, National Institutes of Health
Classification: Uncertain significance for BRCA2-related cancer predisposition. Last evaluated: 2024-08-13. Review status: criteria provided, single submitter. Criteria: ACMG Guidelines, 2015. Collection method: clinical testing. Allele origin: germline. Inheritance: Autosomal dominant inheritance. Observed: 1 variant allele, 1 heterozygote.
Comment: This missense variant replaces threonine with isoleucine at codon 1282 of the BRCA2 protein. Computational prediction suggests that this variant may not impact protein structure and function. To our knowledge, functional studies have not been reported for this variant. This variant has not been reported in individuals affected with BRCA2-related disorders in the literature. This variant has not been identified in the general population by the Genome Aggregation Database (gnomAD). The available evidence is insufficient to determine the role of this variant in disease conclusively. Therefore, this variant is classified as a Variant of Uncertain Significance.

This study involves interpretation of variants in research participants for the purpose of population health screening. Participant phenotype was not available at the time of variant classification. Additional details can be found in publication PMID: 35346344, PMCID: PMC8962531

Color Diagnostics, LLC DBA Color Health
Classification: Uncertain significance for Hereditary cancer-predisposing syndrome. Last evaluated: 2024-07-24. Review status: criteria provided, single submitter. Criteria: ACMG Guidelines, 2015. Collection method: clinical testing. Allele origin: germline.
Comment: This missense variant replaces threonine with isoleucine at codon 1282 of the BRCA2 protein. Computational prediction suggests that this variant may not impact protein structure and function. To our knowledge, functional studies have not been reported for this variant. This variant has not been reported in individuals affected with BRCA2-related disorders in the literature. This variant has not been identified in the general population by the Genome Aggregation Database (gnomAD). The available evidence is insufficient to determine the role of this variant in disease conclusively. Therefore, this variant is classified as a Variant of Uncertain Significance.

University of Washington Department of Laboratory Medicine, University of Washington
Classification: Likely benign for Hereditary cancer-predisposing syndrome. Last evaluated: 2023-03-23. Review status: criteria provided, single submitter. Criteria: Dines et al. (Genet Med. 2020). Collection method: curation. Allele origin: germline.
Comment: Missense variant in a coldspot region where missense variants are very unlikely to be pathogenic (PMID:31911673).

BRCA2 exon 11 coldspot. Reclassification based on statistical prior probability.

Clinical Genetics DNA and cytogenetics Diagnostics Lab, Erasmus MC, Erasmus Medical Center
Classification: Likely benign for Breast-ovarian cancer, familial, susceptibility to, 2. Last evaluated: 2015-09-21. Review status: criteria provided, single submitter. Criteria: ACGS Guidelines, 2013. Collection method: clinical testing. Allele origin: germline. Affected: yes. Study: VKGL Data-share Consensus.

Genome Diagnostics Laboratory, University Medical Center Utrecht
Classification: Likely benign for Breast-ovarian cancer, familial, susceptibility to, 2. Last evaluated: 2015-01-23. Review status: criteria provided, single submitter. Criteria: ACGS Guidelines, 2013. Collection method: clinical testing. Allele origin: germline. Affected: yes. Study: VKGL Data-share Consensus.

Literature cited by the submitters: PubMed 31911673 (cited by Quest Diagnostics Nichols Institute San Juan Capistrano); PubMed 30702160 (cited by Quest Diagnostics Nichols Institute San Juan Capistrano).